The following is an entry in ClinVar:

ClinVar aggregate classification (germline): other (0 of 4 stars; one submission).

Conditions:
Familial colorectal cancer. Identifiers: MedGen CN280943, MONDO:0023113. Disease mechanism: loss of function.

Submission:

Systems Biology Platform Zhejiang California International NanoSystems Institute
Classification: other for Familial colorectal cancer. Review status: no assertion criteria provided. Collection method: not provided. Allele origin: unknown.
ClinVar note: Converted during submission from cancer to other.

NM_000038.6(APC):c.-18-4626G>C

Gene: APC (APC regulator of WNT signaling pathway; plus strand). Cytogenetic location: 5q22.2.
Variant type: single nucleotide variant.
Coding change: c.-18-4626G>C on transcript NM_000038.6 (MANE Select); 4626 bases into the intron before 18 bases upstream of the start codon, G replaced by C.
Molecular consequence: intron variant.
Genome position (GRCh38, 1-based): chr5:112,750,247, G>C. VCF-style: chr5-112750247-G-C. GRCh37 (hg19) VCF-style: chr5-112085944-G-C.
Other names: c.-18-4626G>C (NM_001354895.2, NM_001127510.3, NM_001354896.2 and 2 more transcripts); c.166-16079G>C (NM_001354897.2, NM_001354902.2, NM_001127511.3); c.60+11787G>C (NM_001354898.2, NM_001354904.2); c.-1053-4626G>C (NM_001354906.2); c.-43+12322G>C (NM_001354900.2, NM_001354901.2, NM_001354905.2).
Identifiers: ClinVar variation 82798 (VCV000082798.2), dbSNP rs75169120, ClinGen allele CA006088.